The following is an entry in ClinVar:

ClinVar aggregate classification (germline): Uncertain significance (1 of 4 stars; one submission).

Conditions:
Early-infantile DEE. Also called: Ohtahara syndrome; Early infantile epileptic encephalopathy; Early infantile epileptic encephalopathy with suppression bursts. Identifiers: Orphanet 1934, MedGen C0393706, MONDO:0800491.

Allele frequency attached by ClinVar (database versions not stated): TOPMed 0.00001; gnomAD exomes 0.00001.
gnomAD v4.1: 16 of 1,613,526 alleles (0.00099%); highest among the groups gnomAD compares: East Asian, 0.0022%; no homozygotes.

Submission:

Labcorp Genetics (formerly Invitae), Labcorp
Classification: Uncertain significance for Early-infantile DEE. Last evaluated: 2023-12-01. Review status: criteria provided, single submitter. Criteria: Invitae Variant Classification Sherloc (09022015). Collection method: clinical testing. Allele origin: germline.
Comment: This sequence change replaces arginine, which is basic and polar, with tryptophan, which is neutral and slightly polar, at codon 1095 of the SCN8A protein (p.Arg1095Trp). This variant is present in population databases (no rsID available, gnomAD 0.006%). This variant has not been reported in the literature in individuals affected with SCN8A-related conditions. Advanced modeling of protein sequence and biophysical properties (such as structural, functional, and spatial information, amino acid conservation, physicochemical variation, residue mobility, and thermodynamic stability) performed at Invitae indicates that this missense variant is not expected to disrupt SCN8A protein function with a negative predictive value of 95%. In summary, the available evidence is currently insufficient to determine the role of this variant in disease. Therefore, it has been classified as a Variant of Uncertain Significance.

NM_001330260.2(SCN8A):c.3283C>T (p.Arg1095Trp)

Gene: SCN8A (sodium voltage-gated channel alpha subunit 8; plus strand). Cytogenetic location: 12q13.13.
Variant type: single nucleotide variant.
Coding change: c.3283C>T on transcript NM_001330260.2 (MANE Select); coding-DNA position 3283, C replaced by T.
Protein change: p.Arg1095Trp; replaces arginine 1095 with tryptophan.
Molecular consequence: missense variant.
Genome position (GRCh38, 1-based): chr12:51,769,246, C>T. VCF-style: chr12-51769246-C-T. GRCh37 (hg19) VCF-style: chr12-52163030-C-T.
Other names: c.3283C>T, p.Arg1095Trp (NM_001369788.1, NM_014191.4, NM_001177984.3); short protein forms R1095W.
Identifiers: ClinVar variation 2753549 (VCV002753549.3), dbSNP rs990388760, ClinGen allele CA236318634.
Genomic context (GRCh38, chr12:51,769,246, plus strand): 5'-GAGAAGTACATCATTGATGAGGACCACATGTCCTTCATCAACAACCCCAACTTGACTGTA[C>T]GGGTACCCATTGCTGTGGGCGAGTCTGACTTTGAGAACCTCAACACAGAGGATGTTAGCA-3'
Protein context (NP_001317189.1, residues 1085-1105): SFINNPNLTV[Arg1095Trp]VPIAVGESDF